The following is an entry in ClinVar:

ClinVar aggregate classification (germline): Likely pathogenic (1 of 4 stars; one submission).

Conditions:
Glycogen storage disease, type VII (GSD7). Also called: GSD VII; MUSCLE PHOSPHOFRUCTOKINASE DEFICIENCY; PFKM DEFICIENCY; TARUI DISEASE. Identifiers: Orphanet 371, MedGen C0017926, MONDO:0009295, OMIM 232800.

Submission:

Myriad Genetics, Inc.
Classification: Likely pathogenic for Glycogen storage disease, type VII. Last evaluated: 2022-02-12. Review status: criteria provided, single submitter. Criteria: Myriad Women's Health Autosomal Recessive and X-Linked Classification Criteria (2021). Collection method: clinical testing. Allele origin: unknown.
Comment: NM_001166686.1(PFKM):c.1571G>A(W524*) is expected to be pathogenic in the context of glycogen storage disease type VII. This variant is predicted to lead to an abnormal or absent protein product due to the creation of a premature termination codon in PFKM, a gene where loss-of-function variants are known to be pathogenic. Please note: this variant was assessed in the context of healthy population screening.

NM_000289.6(PFKM):c.1358G>A (p.Trp453Ter)

Gene: PFKM (phosphofructokinase, muscle; plus strand). Cytogenetic location: 12q13.11.
Variant type: single nucleotide variant.
Coding change: c.1358G>A on transcript NM_000289.6 (MANE Select); coding-DNA position 1358, G replaced by A.
Protein change: p.Trp453Ter; replaces tryptophan 453 with a stop codon.
Molecular consequence: nonsense. On other transcripts: non-coding transcript variant (6).
Genome position (GRCh38, 1-based): chr12:48,141,327, G>A. VCF-style: chr12-48141327-G-A. GRCh37 (hg19) VCF-style: chr12-48535110-G-A.
Other names: c.1571G>A, p.Trp524Ter (NM_001166686.2, NM_001354737.1, NM_001354738.1 and 1 more transcripts); c.1358G>A, p.Trp453Ter (NM_001166687.2, NM_001166688.2, NM_001354742.2 and 2 more transcripts); c.1667G>A, p.Trp556Ter (NM_001354735.1, NM_001354736.1); c.1502G>A, p.Trp501Ter (NM_001354740.1); c.1382G>A, p.Trp461Ter (NM_001354741.2); c.1271G>A, p.Trp424Ter (NM_001354745.2); c.1232G>A, p.Trp411Ter (NM_001354746.2); c.1208G>A, p.Trp403Ter (NM_001354747.2, NM_001354748.2); and 1 more; short protein forms W403*, W411*, W422*, W424*, W453*, W461*, W501*, W524*.
Identifiers: ClinVar variation 1724374 (VCV001724374.2), dbSNP rs2498556494, ClinGen allele CA384551044.